The following is an entry in ClinVar:

ClinVar aggregate classification (germline): Uncertain significance. Review status: criteria provided, multiple submitters, no conflicts (2 of 4 stars). 2 submissions from 2 submitters: Uncertain significance (2). Last evaluated 2025-09-11.

Conditions:
Mucopolysaccharidosis, MPS-IV-A (MPS4A). Also called: Mucopolysaccharidosis type IV A; Mucopolysaccharidosis Type IVA; Morquio syndrome A, mild; MORQUIO SYNDROME A; MPS IVA; mucopolysaccharidosis type 4A. Identifiers: Orphanet 309297, Orphanet 582, MedGen C0086651, MONDO:0009659, OMIM 253000.

Submissions (2):

Women's Health and Genetics/Laboratory Corporation of America, LabCorp
Classification: Uncertain significance. Last evaluated: 2025-09-11. Review status: criteria provided, single submitter. Criteria: LabCorp Variant Classification Summary - May 2015. Collection method: clinical testing. Allele origin: germline.
Comment: Variant summary: GALNS c.398A>C (p.Tyr133Ser) results in a non-conservative amino acid change in the encoded protein sequence. Algorithms developed to predict the effect of missense changes on protein structure and function all suggest that this variant is likely to be disruptive. The variant was absent in 251060 control chromosomes. The available data on variant occurrences in the general population are insufficient to allow any conclusion about variant significance. c.398A>C has been observed in at least one individual affected with Mucopolysaccharidosis Type IVA (Morquio Syndrome A) (example: Leong_2019). This data does not allow any conclusion about variant significance. To our knowledge, no experimental evidence demonstrating an impact on protein function has been reported. The following publication has been ascertained in the context of this evaluation (PMID: 31200731). ClinVar contains an entry for this variant (Variation ID: 1048277). Based on the evidence outlined above, the variant was classified as uncertain significance.

Laboratory of Diagnosis and Therapy of Lysosomal Disorders, University of Padova
Classification: Uncertain significance for Mucopolysaccharidosis, MPS-IV-A. Last evaluated: 2021-02-01. Review status: criteria provided, single submitter. Criteria: ACMG Guidelines, 2015. Collection method: curation. Allele origin: germline. Affected: yes.
Comment: Absent from gnomAD v2.1.1 (PM2_moderate); multiple lines of computational evidence support a deleterious effect on the gene (PP3_supporting)

Literature cited by the submitters: PubMed 31200731 (cited by Women's Health and Genetics/Laboratory Corporation of America, LabCorp and Laboratory of Diagnosis and Therapy of Lysosomal Disorders, University of Padova); PubMed 34387910 (cited by Laboratory of Diagnosis and Therapy of Lysosomal Disorders, University of Padova).

NM_000512.5(GALNS):c.398A>C (p.Tyr133Ser)

Gene: GALNS (galactosamine (N-acetyl)-6-sulfatase; minus strand). Cytogenetic location: 16q24.3.
Variant type: single nucleotide variant.
Coding change: c.398A>C on transcript NM_000512.5 (MANE Select); coding-DNA position 398, A replaced by C.
Protein change: p.Tyr133Ser; replaces tyrosine 133 with serine.
Molecular consequence: missense variant. On other transcripts: 5 prime UTR variant (1).
Genome position (GRCh38, 1-based): chr16:88,841,016, T>G on the plus strand (A>C on the coding strand, the complement: GALNS is on the minus strand). VCF-style: chr16-88841016-T-G. GRCh37 (hg19) VCF-style: chr16-88907424-T-G.
Other names: c.-158A>C (NM_001323543.2); c.416A>C, p.Tyr139Ser (NM_001323544.2); short protein forms Y133S, Y139S.
Identifiers: ClinVar variation 1048277 (VCV001048277.4), dbSNP rs1379268067, ClinGen allele CA397087763.
Genomic context (GRCh38, chr16:88,841,016, plus strand): 5'-GCAGGACGCCTGGGCAGGCGTGGCCAGGAGACTTACCACTTGCCGACAATCTTGCTGACG[T>G]AGCCGGCCTTCTTCAGAAGCTCCGGCAGGAGCTGCTCCGAGTCTGGGATGCCGCCCACAA-3'
Protein context (NP_000503.1, residues 123-143): LLPELLKKAG[Tyr133Ser]VSKIVGKWHL